The following is an entry in ClinVar:

NM_007294.4(BRCA1):c.794_795del (p.Ser265fs)

Gene: BRCA1 (BRCA1 DNA repair associated; minus strand). Cytogenetic location: 17q21.31.
Variant type: Deletion.
Coding change: c.794_795del on transcript NM_007294.4 (MANE Select); coding-DNA positions 794 to 795, 2 bases deleted (CT; older notation c.794_795delCT).
Protein change: p.Ser265fs; shifts the reading frame from serine 265.
Molecular consequence: frameshift variant. On other transcripts: 5 prime UTR variant (2), intron variant (137).
Genome position (GRCh38, 1-based): chr17:43,094,736-43,094,737, AG deleted on the plus strand (CT on the coding strand, the reverse complement: BRCA1 is on the minus strand); deleting any 2 consecutive bases within chr17:43,094,736-43,094,738 gives the same sequence; the c. name uses the placement nearest the transcript's 3' end. VCF-style (leftmost placement, unchanged base first): chr17-43094735-CAG-C. GRCh37 (hg19) VCF-style: chr17-41246752-CAG-C.
Other names: 913delCT; c.581_582del, p.Ser194fs (NM_001407571.1, NM_001407853.1, NM_001407894.1 and 9 more transcripts); c.794_795del, p.Ser265fs (NM_001407581.1, NM_001407582.1, NM_001407583.1 and 30 more transcripts); c.791_792del, p.Ser264fs (NM_001407587.1, NM_001407590.1, NM_001407591.1 and 22 more transcripts); c.785_786del, p.Ser262fs (NM_001407646.1, NM_001407647.1); c.671_672del, p.Ser224fs (NM_001407648.1, NM_001407664.1, NM_001407665.1 and 19 more transcripts); c.668_669del, p.Ser223fs (NM_001407649.1, NM_001407670.1, NM_001407671.1 and 11 more transcripts); c.716_717del, p.Ser239fs (NM_001407653.1, NM_001407654.1, NM_001407655.1 and 4 more transcripts); and 42 more; short protein forms S218fs, S265fs, S137fs, S153fs, S176fs, S217fs, S238fs, S264fs.
Identifiers: ClinVar variation 55707 (VCV000055707.10), dbSNP rs80357955, ClinGen allele CA003879.

ClinVar aggregate classification (germline): Pathogenic. Review status: reviewed by expert panel (3 of 4 stars). 7 submissions from 7 submitters: Pathogenic (1). 6 of the submissions do not count toward it. Last evaluated 2016-09-08.

Conditions:
Hereditary cancer-predisposing syndrome. Also called: Hereditary Cancer Syndrome; Hereditary neoplastic syndrome; Neoplastic Syndromes, Hereditary; Tumor predisposition. Identifiers: Orphanet 140162, MedGen C0027672, MeSH D009386, MONDO:0015356.
Hereditary breast ovarian cancer syndrome. Also called: BRCA1- and BRCA2-Associated Hereditary Breast and Ovarian Cancer; Hereditary breast and ovarian cancer syndrome; Hereditary breast and ovarian cancer syndrome (HBOC); Breast and ovarian cancer; Hereditary breast and/or ovarian cancer syndrome; Hereditary breast and ovarian cancer. Identifiers: Orphanet 145, MedGen C0677776, MeSH D061325, MONDO:0003582. Disease mechanism: loss of function.
Breast-ovarian cancer, familial, susceptibility to, 1 (BROVCA1). Also called: BRCA1 Hereditary Breast and Ovarian Cancer; OVARIAN CANCER, SUSCEPTIBILITY TO. Identifiers: Orphanet 145, MedGen C2676676, MONDO:0011450, OMIM 604370. Disease mechanism: loss of function.

Submissions (7):

Evidence-based Network for the Interpretation of Germline Mutant Alleles (ENIGMA)
Classification: Pathogenic for Breast-ovarian cancer, familial, susceptibility to, 1. Last evaluated: 2016-09-08. Review status: reviewed by expert panel. Criteria: ENIGMA BRCA1/2 Classification Criteria (2015). Collection method: curation. Allele origin: germline.
Comment: Variant allele predicted to encode a truncated non-functional protein.

Ambry Genetics
Classification: Pathogenic for Hereditary cancer-predisposing syndrome. Last evaluated: 2020-06-02. Review status: criteria provided, single submitter. Criteria: Ambry Variant Classification Scheme 2023. Collection method: clinical testing. Allele origin: germline. Not counted in ClinVar's aggregate classification.
Comment: The c.794_795delCT pathogenic mutation, located in coding exon 9 of the BRCA1 gene, results from a deletion of two nucleotides at nucleotide positions 794 to 795, causing a translational frameshift with a predicted alternate stop codon (p.S265Cfs*21). Additionally, in a large, clinic-based BRCA1/2 testing cohort in Norway, this variant was detected in 2 families (Heramb C et al. Hered Cancer Clin Pract, 2018 Jan;16:3). This alteration is also described in the literature as 913delCT. In addition to the clinical data presented in the literature, this alteration is expected to result in loss of function by premature protein truncation or nonsense-mediated mRNA decay. As such, this alteration is interpreted as a disease-causing mutation.

Quest Diagnostics Nichols Institute San Juan Capistrano
Classification: Pathogenic. Last evaluated: 2019-03-29. Review status: criteria provided, single submitter. Criteria: Quest Diagnostics criteria. Collection method: clinical testing. Allele origin: germline. Not counted in ClinVar's aggregate classification.
Comment: The variant results in a shift of the reading frame, and is therefore predicted to result in the loss of a functional protein. Found in at least one symptomatic patient, and not found in general population data.

GeneDx
Classification: Pathogenic. Last evaluated: 2018-01-31. Review status: criteria provided, single submitter. Criteria: GeneDx Variant Classification (06012015). Collection method: clinical testing. Allele origin: germline. Affected: yes. Not counted in ClinVar's aggregate classification.
Comment: This deletion of two nucleotides in BRCA1 is denoted c.794_795delCT at the cDNA level and p.Ser265CysfsX21 (S265CfsX21) at the protein level. The normal sequence, with the bases that are deleted in brackets, is AGTT[delCT]GTTT. The deletion causes a frameshift which changes a Serine to a Cysteine at codon 265, and creates a premature stop codon at position 21 of the new reading frame. This variant is predicted to cause loss of normal protein function through either protein truncation or nonsense-mediated mRNA decay. BRCA1 c.794_795delCT, also defined as 913delCT using alternate nomenclature, has been observed in individuals with personal and/or family history of breast and/or ovarian cancer (Borg 1999, Heramb 2018). We consider this variant to be pathogenic.

Department of Medical Genetics, Oslo University Hospital
Classification: Pathogenic for Breast-ovarian cancer, familial, susceptibility to, 1. Last evaluated: 2015-07-01. Review status: criteria provided, single submitter. Criteria: ACMG Guidelines, 2015. Collection method: clinical testing. Allele origin: germline. Affected: yes. Observed: 8 variant alleles. Not counted in ClinVar's aggregate classification.

Research Molecular Genetics Laboratory, Women's College Hospital, University of Toronto
Classification: Pathogenic for Hereditary breast ovarian cancer syndrome. Last evaluated: 2014-01-31. Review status: no assertion criteria provided. Collection method: research. Allele origin: germline. Affected: yes. Study: The Canadian Open Genetics Repository (COGR). Not counted in ClinVar's aggregate classification.

Breast Cancer Information Core (BIC) (BRCA1)
Classification: Pathogenic for Breast-ovarian cancer, familial 1. Last evaluated: 1998-04-20. Review status: no assertion criteria provided. Collection method: clinical testing. Allele origin: germline. Affected: yes. Observed: 1 variant allele. Not counted in ClinVar's aggregate classification.

Literature cited by the submitters: PubMed 10595257 (cited by Ambry Genetics and Quest Diagnostics Nichols Institute San Juan Capistrano); PubMed 29339979 (cited by Ambry Genetics and Quest Diagnostics Nichols Institute San Juan Capistrano); PubMed 30678073 (cited by Ambry Genetics and Quest Diagnostics Nichols Institute San Juan Capistrano); PubMed 32050665 (cited by Ambry Genetics); PubMed 26295337 (cited by Quest Diagnostics Nichols Institute San Juan Capistrano).